The following is an entry in ClinVar:

NM_201384.3(PLEC):c.9710C>T (p.Thr3237Ile)

Gene: PLEC (plectin; minus strand). Cytogenetic location: 8q24.3.
Variant type: single nucleotide variant.
Coding change: c.9710C>T on transcript NM_201384.3 (MANE Select); coding-DNA position 9710, C replaced by T.
Protein change: p.Thr3237Ile; replaces threonine 3237 with isoleucine.
Molecular consequence: missense variant.
Genome position (GRCh38, 1-based): chr8:143,920,111, G>A on the plus strand (C>T on the coding strand, the complement: PLEC is on the minus strand). VCF-style: chr8-143920111-G-A. GRCh37 (hg19) VCF-style: chr8-144994279-G-A.
Other names: c.9791C>T, p.Thr3264Ile (NM_000445.5); c.6410C>T, p.Thr2137Ile (NM_001410941.1); c.9668C>T, p.Thr3223Ile (NM_201378.4); c.9644C>T, p.Thr3215Ile (NM_201379.3); c.10121C>T, p.Thr3374Ile (NM_201380.4); c.9614C>T, p.Thr3205Ile (NM_201381.3); c.9710C>T, p.Thr3237Ile (NM_201382.4); c.9722C>T, p.Thr3241Ile (NM_201383.3); short protein forms T3241I, T3374I, T3215I, T3223I, T2137I, T3237I, T3205I, T3264I.
Identifiers: ClinVar variation 2924770 (VCV002924770.3), dbSNP rs1403882605, ClinGen allele CA372507185.

ClinVar aggregate classification (germline): Uncertain significance (1 of 4 stars; one submission).

Conditions:
Epidermolysis bullosa simplex with nail dystrophy (EBS5D). Identifiers: MedGen C4225309, MONDO:0014661, OMIM 616487.
Epidermolysis bullosa simplex, Ogna type (EBS5A). Also called: EPIDERMOLYSIS BULLOSA SIMPLEX 5A, OGNA TYPE; Pidermolysis bullosa simplex 5A, Ogna type. Identifiers: Orphanet 79401, MedGen C0432317, MONDO:0007555, OMIM 131950.
Epidermolysis bullosa simplex 5C, with pyloric atresia (EBS5C). Also called: PLEC1-Related Epidermolysis Bullosa with Pyloric Atresia; PLEC-Related Epidermolysis Bullosa with Pyloric Atresia; Epidermolysis bullosa simplex with pyloric atresia. Identifiers: Orphanet 158684, MedGen C2677349, MONDO:0012807, OMIM 612138.
Autosomal recessive limb-girdle muscular dystrophy type 2Q (LGMDR17). Also called: MUSCULAR DYSTROPHY, LIMB-GIRDLE, AUTOSOMAL RECESSIVE 17. Identifiers: Orphanet 254361, MedGen C3150989, MONDO:0013390, OMIM 613723.
Epidermolysis bullosa simplex 5B, with muscular dystrophy (EBS5B). Also called: EPIDERMOLYSIS BULLOSA SIMPLEX AND LIMB-GIRDLE MUSCULAR DYSTROPHY; Epidermolysis bullosa simplex with muscular dystrophy. Identifiers: Orphanet 257, MedGen C2931072, MONDO:0009181, OMIM 226670.

Allele frequency attached by ClinVar (database versions not stated): TOPMed below 0.00001.
gnomAD v4.1: 4 of 1,613,050 alleles (0.00025%); highest among the groups gnomAD compares: Non-Finnish European, 0.00034%; no homozygotes.

Submission:

Labcorp Genetics (formerly Invitae), Labcorp
Classification: Uncertain significance for Autosomal recessive limb-girdle muscular dystrophy type 2Q; Epidermolysis bullosa simplex, Ogna type; Epidermolysis bullosa simplex with nail dystrophy; Epidermolysis bullosa simplex 5C, with pyloric atresia; Epidermolysis bullosa simplex 5B, with muscular dystrophy. Last evaluated: 2023-10-18. Review status: criteria provided, single submitter. Criteria: Invitae Variant Classification Sherloc (09022015). Collection method: clinical testing. Allele origin: germline.
Comment: This sequence change replaces threonine, which is neutral and polar, with isoleucine, which is neutral and non-polar, at codon 3264 of the PLEC protein (p.Thr3264Ile). This variant is not present in population databases (gnomAD no frequency). This variant has not been reported in the literature in individuals affected with PLEC-related conditions. An algorithm developed to predict the effect of missense changes on protein structure and function (PolyPhen-2) suggests that this variant is likely to be disruptive. In summary, the available evidence is currently insufficient to determine the role of this variant in disease. Therefore, it has been classified as a Variant of Uncertain Significance.